The following is an entry in ClinVar:

NM_013339.4(ALG6):c.1399C>T (p.Pro467Ser)

Gene: ALG6 (ALG6 alpha-1,3-glucosyltransferase; plus strand). Cytogenetic location: 1p31.3.
Variant type: single nucleotide variant.
Coding change: c.1399C>T on transcript NM_013339.4 (MANE Select); coding-DNA position 1399, C replaced by T.
Protein change: p.Pro467Ser; replaces proline 467 with serine.
Molecular consequence: missense variant.
Genome position (GRCh38, 1-based): chr1:63,436,895, C>T. VCF-style: chr1-63436895-C-T. GRCh37 (hg19) VCF-style: chr1-63902566-C-T.
Other names: short protein forms P467S.
Identifiers: ClinVar variation 1483811 (VCV001483811.3), dbSNP rs752244400, ClinGen allele CA888446.
Genomic context (GRCh38, chr1:63,436,895, plus strand): 5'-GTCATCACTATGGTGCTTCTGACGTTGATGACTGTCACACTGGATCCTCCTCAGAAACTA[C>T]CGGACTTGTTTTCTGTATTGGTGTGTTTTGTATCTTGCTTGAACTTCCTGTTCTTCTTGG-3'
Protein context (NP_037471.2, residues 457-477): TVTLDPPQKL[Pro467Ser]DLFSVLVCFV

ClinVar aggregate classification (germline): Uncertain significance (1 of 4 stars; one submission).

Conditions:
ALG6-congenital disorder of glycosylation 1C (CDG1C). Also called: CARBOHYDRATE-DEFICIENT GLYCOPROTEIN SYNDROME, TYPE I, WITH DEFICIENT GLYCOSYLATION OF DOLICHOL-LINKED OLIGOSACCHARIDE; CARBOHYDRATE-DEFICIENT GLYCOPROTEIN SYNDROME, TYPE V; Congenital disorder of glycosylation type 1C; Congenital disorder of glycosylation, type Ic; CDG Ic. Identifiers: Orphanet 79320, MedGen C2930997, MONDO:0011291, OMIM 603147.

Allele frequency attached by ClinVar (database versions not stated): ExAC 0.00001; gnomAD exomes 0.00001 and 0.00002; TOPMed 0.00001.
gnomAD v4.1: 32 of 1,613,864 alleles (0.002%); highest among the groups gnomAD compares: Non-Finnish European, 0.0025%; no homozygotes.

Submission:

Labcorp Genetics (formerly Invitae), Labcorp
Classification: Uncertain significance for ALG6-congenital disorder of glycosylation 1C. Last evaluated: 2022-09-27. Review status: criteria provided, single submitter. Criteria: Invitae Variant Classification Sherloc (09022015). Collection method: clinical testing. Allele origin: germline.
Comment: This sequence change replaces proline, which is neutral and non-polar, with serine, which is neutral and polar, at codon 467 of the ALG6 protein (p.Pro467Ser). This variant is present in population databases (rs752244400, gnomAD 0.002%). This variant has not been reported in the literature in individuals affected with ALG6-related conditions. ClinVar contains an entry for this variant (Variation ID: 1483811). Advanced modeling of protein sequence and biophysical properties (such as structural, functional, and spatial information, amino acid conservation, physicochemical variation, residue mobility, and thermodynamic stability) performed at Invitae indicates that this missense variant is expected to disrupt ALG6 protein function. In summary, the available evidence is currently insufficient to determine the role of this variant in disease. Therefore, it has been classified as a Variant of Uncertain Significance.